The following is an entry in ClinVar:

ClinVar aggregate classification (germline): Likely benign. Review status: criteria provided, single submitter (1 of 4 stars). 2 submissions from 2 submitters: Likely benign (1). 1 of the submissions does not count toward it. Last evaluated 2026-09-01.

Conditions:
KMT2C-related disorder. Also called: KMT2C-related condition; KMT2C-related disorders.

Allele frequency attached by ClinVar (database versions not stated): ExAC 0.00002; TOPMed 0.00003; gnomAD exomes 0.00004; gnomAD 0.00005.
gnomAD v4.1: 70 of 1,613,682 alleles (0.0043%); highest among the groups gnomAD compares: Middle Eastern, 0.033%; 1 homozygote.

Submissions (2):

CeGaT Center for Human Genetics Tuebingen
Classification: Likely benign. Last evaluated: 2026-09-01. Review status: criteria provided, single submitter. Criteria: CeGaT Center For Human Genetics Tuebingen Variant Classification Criteria Version 2. Collection method: clinical testing. Allele origin: germline. Affected: yes. Observed: 1 variant allele.
Comment: KMT2C: BP4, BS2

PreventionGenetics, part of Exact Sciences
Classification: Likely benign for KMT2C-related condition. Last evaluated: 2019-02-20. Review status: no assertion criteria provided. Collection method: clinical testing. Allele origin: germline. Not counted in ClinVar's aggregate classification.
Comment: This variant is classified as likely benign based on ACMG/AMP sequence variant interpretation guidelines (Richards et al. 2015 PMID: 25741868, with internal and published modifications).

NM_170606.3(KMT2C):c.7150-6A>G

Gene: KMT2C (lysine methyltransferase 2C; minus strand). Cytogenetic location: 7q36.1.
Variant type: single nucleotide variant.
Coding change: c.7150-6A>G on transcript NM_170606.3 (MANE Select); 6 bases into the intron before coding-DNA position 7150, A replaced by G.
Molecular consequence: intron variant.
Genome position (GRCh38, 1-based): chr7:152,180,132, T>C on the plus strand (A>G on the coding strand, the complement: KMT2C is on the minus strand). VCF-style: chr7-152180132-T-C. GRCh37 (hg19) VCF-style: chr7-151877217-T-C.
Identifiers: ClinVar variation 3058350 (VCV003058350.3), dbSNP rs746330866, ClinGen allele CA4579929.